The following is an entry in ClinVar:

ClinVar aggregate classification (germline): Uncertain significance (1 of 4 stars; one submission).

gnomAD v4.1: 2 of 1,507,266 alleles (0.00013%); highest among the groups gnomAD compares: South Asian, 0.0011%; no homozygotes.

Submission:

Labcorp Genetics (formerly Invitae), Labcorp
Classification: Uncertain significance. Last evaluated: 2022-06-20. Review status: criteria provided, single submitter. Criteria: Invitae Variant Classification Sherloc (09022015). Collection method: clinical testing. Allele origin: germline.
Comment: This sequence change replaces serine, which is neutral and polar, with arginine, which is basic and polar, at codon 82 of the PLK4 protein (p.Ser82Arg). The frequency data for this variant in the population databases is considered unreliable, as metrics indicate poor data quality at this position in the gnomAD database. This variant has not been reported in the literature in individuals affected with PLK4-related conditions. Algorithms developed to predict the effect of missense changes on protein structure and function are either unavailable or do not agree on the potential impact of this missense change (SIFT: "Deleterious"; PolyPhen-2: "Possibly Damaging"; Align-GVGD: "Class C0"). In summary, the available evidence is currently insufficient to determine the role of this variant in disease. Therefore, it has been classified as a Variant of Uncertain Significance.

NM_014264.5(PLK4):c.246C>A (p.Ser82Arg)

Gene: PLK4 (polo like kinase 4; plus strand). Cytogenetic location: 4q28.1.
Variant type: single nucleotide variant.
Coding change: c.246C>A on transcript NM_014264.5 (MANE Select); coding-DNA position 246, C replaced by A.
Protein change: p.Ser82Arg; replaces serine 82 with arginine.
Molecular consequence: missense variant.
Genome position (GRCh38, 1-based): chr4:127,883,462, C>A. VCF-style: chr4-127883462-C-A. GRCh37 (hg19) VCF-style: chr4-128804617-C-A.
Other names: c.150C>A, p.Ser50Arg (NM_001190799.2); c.123C>A, p.Ser41Arg (NM_001190801.2); short protein forms S41R, S50R, S82R.
Identifiers: ClinVar variation 1503302 (VCV001503302.5), dbSNP rs191851206, ClinGen allele CA3076535.
Genomic context (GRCh38, chr4:127,883,462, plus strand): 5'-TGTATATTTTAATTTATTATGCCCTTTCACATTTCAGCTTTATAACTATTTTGAAGATAG[C>A]AATTATGTGTATCTGGTATTAGAAATGTGCCATAATGGAGAAATGAACAGGTATCTAAAG-3'
Protein context (NP_055079.3, residues 72-92): ILELYNYFED[Ser82Arg]NYVYLVLEMC